The following is an entry in ClinVar:

ClinVar aggregate classification (germline): Uncertain significance (1 of 4 stars; one submission).

Conditions:
Neurofibromatosis, type 1 (NF1). Also called: Peripheral type neurofibromatosis; Neurofibromatosis, type I; VON RECKLINGHAUSEN DISEASE; NEUROFIBROMATOSIS, TYPE I, SOMATIC. Identifiers: Orphanet 636, MedGen C0027831, MONDO:0018975, OMIM 162200. Disease mechanism: loss of function.

Submission:

Labcorp Genetics (formerly Invitae), Labcorp
Classification: Uncertain significance for Neurofibromatosis, type 1. Last evaluated: 2019-04-17. Review status: criteria provided, single submitter. Criteria: Invitae Variant Classification Sherloc (09022015). Collection method: clinical testing. Allele origin: germline.
Comment: In summary, the available evidence is currently insufficient to determine the role of this variant in disease. Therefore, it has been classified as a Variant of Uncertain Significance. Algorithms developed to predict the effect of missense changes on protein structure and function (SIFT, PolyPhen-2, Align-GVGD) all suggest that this variant is likely to be tolerated, but these predictions have not been confirmed by published functional studies and their clinical significance is uncertain. This variant has not been reported in the literature in individuals with NF1-related conditions. This variant is not present in population databases (ExAC no frequency). This sequence change replaces valine with leucine at codon 2399 of the NF1 protein (p.Val2399Leu). The valine residue is moderately conserved and there is a small physicochemical difference between valine and leucine.

NM_001042492.3(NF1):c.7258G>C (p.Val2420Leu)

Gene: NF1 (neurofibromin 1; plus strand). Cytogenetic location: 17q11.2.
Variant type: single nucleotide variant.
Coding change: c.7258G>C on transcript NM_001042492.3 (MANE Select); coding-DNA position 7258, G replaced by C.
Protein change: p.Val2420Leu; replaces valine 2420 with leucine.
Molecular consequence: missense variant.
Genome position (GRCh38, 1-based): chr17:31,349,188, G>C. VCF-style: chr17-31349188-G-C. GRCh37 (hg19) VCF-style: chr17-29676206-G-C.
Other names: c.7195G>C, p.Val2399Leu (NM_000267.4); short protein forms V2399L, V2420L.
Identifiers: ClinVar variation 948369 (VCV000948369.6), dbSNP rs1597858484, ClinGen allele CA399016788.